The following is an entry in ClinVar:

ClinVar aggregate classification (germline): Likely pathogenic (1 of 4 stars; one submission).

Conditions:
Pseudohypoaldosteronism type 2B (PHA2B). Also called: Pseudohypoaldosteronism Type IIB. Identifiers: Orphanet 757, Orphanet 88939, MedGen C1840390, MONDO:0013777, OMIM 614491.

Submission:

Victorian Clinical Genetics Services, Murdoch Childrens Research Institute
Classification: Likely pathogenic for Pseudohypoaldosteronism type 2B. Last evaluated: 2026-03-30. Review status: criteria provided, single submitter. Criteria: ACMG Guidelines, 2015. Collection method: clinical testing. Allele origin: germline. Affected: yes.
Comment: This variant is classified as Likely pathogenic. Evidence in support of pathogenic classification: Variant is absent from gnomAD (v2, v3 and v4); This variant has limited previous evidence of pathogenicity in an unrelated individual(s). Variant is located in a hotspot region or cluster of PATHOGENIC variants in the acidic degron motif (DECIPHER, PMID: 24641320); Strong phenotype match for this individual. Additional information: Variant is predicted to result in a missense amino acid change from Ala to Thr; This variant is heterozygous; This gene is associated with autosomal dominant disease; Alternative amino acid change(s) at the same position are present in gnomAD (highest allele count: v4: 1 heterozygote(s), 0 homozygote(s)); No published evidence of segregation with disease has been identified for this variant; No published functional evidence has been identified for this variant; No comparable missense variants have previous evidence for pathogenicity; Missense variant with inconclusive in silico prediction and uninformative conservation; The mechanism of disease for this gene is not clearly established; Inheritance information for this variant is not currently available in this individual.

Literature cited by the submitters: PubMed 24641320.

NM_032387.5(WNK4):c.1687G>A (p.Ala563Thr)

Gene: WNK4 (WNK lysine deficient protein kinase 4; plus strand). Cytogenetic location: 17q21.2.
Variant type: single nucleotide variant.
Coding change: c.1687G>A on transcript NM_032387.5 (MANE Select); coding-DNA position 1687, G replaced by A.
Protein change: p.Ala563Thr; replaces alanine 563 with threonine.
Molecular consequence: missense variant.
Genome position (GRCh38, 1-based): chr17:42,787,488, G>A. VCF-style: chr17-42787488-G-A. GRCh37 (hg19) VCF-style: chr17-40939506-G-A.
Other names: c.679G>A, p.Ala227Thr (NM_001321299.2); short protein forms A227T, A563T.
Identifiers: ClinVar variation 4531655 (VCV004531655.2).